The following is an entry in ClinVar:

ClinVar aggregate classification (germline): Uncertain significance (1 of 4 stars; one submission).

Conditions:
Primary ciliary dyskinesia. Also called: Ciliary dyskinesia. Identifiers: Orphanet 244, MedGen C0008780, MONDO:0016575, HP:0012265.

gnomAD v4.1: 1 of 1,614,142 alleles (0.000062%); highest among the groups gnomAD compares: African/African-American, 0.0013%; no homozygotes.

Submission:

Labcorp Genetics (formerly Invitae), Labcorp
Classification: Uncertain significance for Primary ciliary dyskinesia. Last evaluated: 2021-01-19. Review status: criteria provided, single submitter. Criteria: Invitae Variant Classification Sherloc (09022015). Collection method: clinical testing. Allele origin: germline.
Comment: This sequence change replaces arginine with leucine at codon 779 of the CCDC40 protein (p.Arg779Leu). The arginine residue is moderately conserved and there is a moderate physicochemical difference between arginine and leucine. This variant is not present in population databases (ExAC no frequency). This variant has not been reported in the literature in individuals with CCDC40-related conditions. Algorithms developed to predict the effect of missense changes on protein structure and function are either unavailable or do not agree on the potential impact of this missense change (SIFT: "Tolerated"; PolyPhen-2: "Possibly Damaging"; Align-GVGD: "Class C0"). In summary, the available evidence is currently insufficient to determine the role of this variant in disease. Therefore, it has been classified as a Variant of Uncertain Significance.

NM_017950.4(CCDC40):c.2336G>T (p.Arg779Leu)

Gene: CCDC40 (coiled-coil domain 40 molecular ruler complex subunit; plus strand). Cytogenetic location: 17q25.3.
Variant type: single nucleotide variant.
Coding change: c.2336G>T on transcript NM_017950.4 (MANE Select); coding-DNA position 2336, G replaced by T.
Protein change: p.Arg779Leu; replaces arginine 779 with leucine.
Molecular consequence: missense variant.
Genome position (GRCh38, 1-based): chr17:80,086,103, G>T. VCF-style: chr17-80086103-G-T. GRCh37 (hg19) VCF-style: chr17-78059902-G-T.
Other names: c.2336G>T, p.Arg779Leu (NM_001243342.2); short protein forms R779L.
Identifiers: ClinVar variation 1366131 (VCV001366131.8), dbSNP rs183809462, ClinGen allele CA294866408.
Genomic context (GRCh38, chr17:80,086,103, plus strand): 5'-TGAGCAAGCTGATCGACGAGCACGATGGCAAGGCGGTCCAGGCCCAGGTGACCTGGCTGC[G>T]CCTGCAGCAGGAGATGGTCAAGGTGACACAGGAGCAGGAGGAGCAGCTGGCCTCCCTGGA-3'
Protein context (NP_060420.2, residues 769-789): KAVQAQVTWL[Arg779Leu]LQQEMVKVTQ